The following is an entry in ClinVar:

NM_194248.3(OTOF):c.1388A>G (p.Gln463Arg)

Gene: OTOF (otoferlin; minus strand). Cytogenetic location: 2p23.3.
Variant type: single nucleotide variant.
Coding change: c.1388A>G on transcript NM_194248.3 (MANE Select); coding-DNA position 1388, A replaced by G.
Protein change: p.Gln463Arg; replaces glutamine 463 with arginine.
Molecular consequence: missense variant.
Genome position (GRCh38, 1-based): chr2:26,483,466, T>C on the plus strand (A>G on the coding strand, the complement: OTOF is on the minus strand). VCF-style: chr2-26483466-T-C. GRCh37 (hg19) VCF-style: chr2-26706334-T-C.
Other names: c.1388A>G, p.Gln463Arg (NM_001287489.2); short protein forms Q463R.
Identifiers: ClinVar variation 2190690 (VCV002190690.6), dbSNP rs553904559, ClinGen allele CA1564298.

ClinVar aggregate classification (germline): Conflicting classifications of pathogenicity. Review status: criteria provided, conflicting classifications (1 of 4 stars). 3 submissions from 3 submitters: Uncertain significance (2); Likely benign (1). Last evaluated 2025-12-23.

Allele frequency attached by ClinVar (database versions not stated): TOPMed 0.00002; gnomAD 0.00005; gnomAD exomes 0.00008; ExAC 0.00014; 1000 Genomes Project 30x 0.00016; 1000 Genomes Project 0.00020.
gnomAD v4.1: 125 of 1,613,712 alleles (0.0077%); highest among the groups gnomAD compares: Middle Eastern, 0.12%; no homozygotes.

Submissions (3):

Labcorp Genetics (formerly Invitae), Labcorp
Classification: Likely benign. Last evaluated: 2025-12-23. Review status: criteria provided, single submitter. Criteria: Invitae Variant Classification Sherloc (09022015). Collection method: clinical testing. Allele origin: germline.

GeneDx
Classification: Uncertain significance. Last evaluated: 2024-06-03. Review status: criteria provided, single submitter. Criteria: GeneDx Variant Classification Process June 2021. Collection method: clinical testing. Allele origin: germline. Affected: yes.
Comment: In silico analysis indicates that this missense variant does not alter protein structure/function; Has not been previously published as pathogenic or benign to our knowledge

Blueprint Genetics
Classification: Uncertain significance. Last evaluated: 2023-08-24. Review status: criteria provided, single submitter. Criteria: ACMG Guidelines, 2015. Collection method: clinical testing. Allele origin: germline.